The following is an entry in ClinVar:

ClinVar aggregate classification (germline): Uncertain significance (1 of 4 stars; one submission).

Conditions:
Distal hereditary motor neuropathy type 2. Identifiers: Orphanet 139525, MedGen C3711384, MeSH C580044, MONDO:0015352.

gnomAD v4.1: 2 of 1,612,544 alleles (0.00012%); highest among the groups gnomAD compares: Non-Finnish European, 0.00017%; no homozygotes.

Submission:

Labcorp Genetics (formerly Invitae), Labcorp
Classification: Uncertain significance for Distal hereditary motor neuropathy type 2. Last evaluated: 2025-09-10. Review status: criteria provided, single submitter. Criteria: Invitae Variant Classification Sherloc (09022015). Collection method: clinical testing. Allele origin: germline.
Comment: This sequence change replaces lysine, which is basic and polar, with arginine, which is basic and polar, at codon 182 of the FBXO38 protein (p.Lys182Arg). This variant is not present in population databases (gnomAD no frequency). This variant has not been reported in the literature in individuals affected with FBXO38-related conditions. Invitae Evidence Modeling of protein sequence and biophysical properties (such as structural, functional, and spatial information, amino acid conservation, physicochemical variation, residue mobility, and thermodynamic stability) indicates that this missense variant is not expected to disrupt FBXO38 protein function with a negative predictive value of 80%. In summary, the available evidence is currently insufficient to determine the role of this variant in disease. Therefore, it has been classified as a Variant of Uncertain Significance.

NM_205836.3(FBXO38):c.545A>G (p.Lys182Arg)

Gene: FBXO38 (F-box protein 38; plus strand). Cytogenetic location: 5q32.
Variant type: single nucleotide variant.
Coding change: c.545A>G on transcript NM_205836.3 (MANE Select); coding-DNA position 545, A replaced by G.
Protein change: p.Lys182Arg; replaces lysine 182 with arginine.
Molecular consequence: missense variant.
Genome position (GRCh38, 1-based): chr5:148,402,466, A>G. VCF-style: chr5-148402466-A-G. GRCh37 (hg19) VCF-style: chr5-147782029-A-G.
Other names: c.545A>G, p.Lys182Arg (NM_001271723.2, NM_030793.5); short protein forms K182R.
Identifiers: ClinVar variation 4760949 (VCV004760949.1).